The following is an entry in ClinVar:

ClinVar aggregate classification (germline): Pathogenic (1 of 4 stars; one submission).

Conditions:
Sulfite oxidase deficiency due to molybdenum cofactor deficiency type C. Also called: Molybdenum cofactor deficiency, complementation group C; Molybdenum cofactor deficiency C. Identifiers: Orphanet 308400, Orphanet 833, MedGen C1854990, MONDO:0014212, OMIM 615501.

Submission:

Labcorp Genetics (formerly Invitae), Labcorp
Classification: Pathogenic for Sulfite oxidase deficiency due to molybdenum cofactor deficiency type C. Last evaluated: 2022-09-05. Review status: criteria provided, single submitter. Criteria: Invitae Variant Classification Sherloc (09022015). Collection method: clinical testing. Allele origin: germline.
Comment: For these reasons, this variant has been classified as Pathogenic. This variant has not been reported in the literature in individuals affected with GPHN-related conditions. This variant is a gross deletion of the genomic region encompassing exon(s) 13-17 of the GPHN gene. This deletion is out-of-frame, and is expected to create a premature termination codon and result in an absent or disrupted protein product. Loss-of-function variants in GPHN are known to be pathogenic (PMID: 11095995, 23184456, 23393157).

Literature cited by the submitters: PubMed 11095995; PubMed 23184456; PubMed 23393157.

NC_000014.8:g.(?_67567553)_(67589114_?)del

Gene: GPHN (gephyrin; plus strand). Cytogenetic location: 14q23.3.
Variant type: Deletion.
Identifiers: ClinVar variation 2426605 (VCV002426605.4).